The following is an entry in ClinVar:

ClinVar aggregate classification (germline): Uncertain significance (1 of 4 stars; one submission).

Allele frequency attached by ClinVar (database versions not stated): gnomAD 0.00001; gnomAD exomes 0.00001; TOPMed 0.00001; ExAC 0.00005.

Submission:

Labcorp Genetics (formerly Invitae), Labcorp
Classification: Uncertain significance. Last evaluated: 2023-10-04. Review status: criteria provided, single submitter. Criteria: Invitae Variant Classification Sherloc (09022015). Collection method: clinical testing. Allele origin: germline.
Comment: This sequence change falls in intron 50 of the ITPR1 gene. It does not directly change the encoded amino acid sequence of the ITPR1 protein. It affects a nucleotide within the consensus splice site. This variant is present in population databases (rs756253849, gnomAD 0.007%). This variant has not been reported in the literature in individuals affected with ITPR1-related conditions. Variants that disrupt the consensus splice site are a relatively common cause of aberrant splicing (PMID: 17576681, 9536098). Algorithms developed to predict the effect of sequence changes on RNA splicing suggest that this variant is not likely to affect RNA splicing. In summary, the available evidence is currently insufficient to determine the role of this variant in disease. Therefore, it has been classified as a Variant of Uncertain Significance.

Literature cited by the submitters: PubMed 17576681; PubMed 9536098.

NM_001378452.1(ITPR1):c.7108-3C>T

Gene: ITPR1 (inositol 1,4,5-trisphosphate receptor type 1; plus strand). Cytogenetic location: 3p26.1.
Variant type: single nucleotide variant.
Coding change: c.7108-3C>T on transcript NM_001378452.1 (MANE Select); 3 bases into the intron before coding-DNA position 7108, C replaced by T.
Molecular consequence: intron variant.
Genome position (GRCh38, 1-based): chr3:4,806,100, C>T. VCF-style: chr3-4806100-C-T. GRCh37 (hg19) VCF-style: chr3-4847784-C-T.
Other names: c.6964-3C>T (NM_001099952.4); c.7063-3C>T (NM_001168272.2); c.6919-3C>T (NM_002222.7).
Identifiers: ClinVar variation 2888193 (VCV002888193.3), dbSNP rs756253849, ClinGen allele CA2232790.
Genomic context (GRCh38, chr3:4,806,100, plus strand): 5'-GTTGCTCTCATGAAGAGTTTGGCACAGTCCGTGCCATCTGACTGTTCCTGTCATTGTTCT[C>T]AGGTATGCAATAAAATCATCTTTCTAATGAGCTTTGTGGGCAACTGTGGGACATTCACAA-3'